The following is an entry in ClinVar:

ClinVar aggregate classification (germline): Uncertain significance (1 of 4 stars; one submission).

Conditions:
Cataract 1 multiple types. Also called: CATARACT, DUFFY-LINKED; CATARACT 1, MULTIPLE TYPES, WITH OR WITHOUT MICROCORNEA; CATARACT 1, NUCLEAR PROGRESSIVE; CATARACT 1 WITH MICROCORNEA; CATARACT 1, POSTERIOR SUBCAPSULAR, WITH MICROCORNEA; CATARACT 1, STELLATE NUCLEAR, WITH MICROCORNEA. Identifiers: Orphanet 1377, MedGen C1861828, MONDO:0007285, OMIM 116200.

Submission:

Labcorp Genetics (formerly Invitae), Labcorp
Classification: Uncertain significance for Cataract 1 multiple types. Last evaluated: 2018-06-11. Review status: criteria provided, single submitter. Criteria: Invitae Variant Classification Sherloc (09022015). Collection method: clinical testing. Allele origin: germline.
Comment: In summary, the available evidence is currently insufficient to determine the role of this variant in disease. Therefore, it has been classified as a Variant of Uncertain Significance. Algorithms developed to predict the effect of missense changes on protein structure and function (SIFT, PolyPhen-2, Align-GVGD) all suggest that this variant is likely to be disruptive, but these predictions have not been confirmed by published functional studies and their clinical significance is uncertain. This variant has not been reported in the literature in individuals with GJA8-related disease. This variant is not present in population databases (ExAC no frequency). This sequence change replaces phenylalanine with valine at codon 161 of the GJA8 protein (p.Phe161Val). The phenylalanine residue is highly conserved and there is a small physicochemical difference between phenylalanine and valine.

NM_005267.5(GJA8):c.481T>G (p.Phe161Val)

Gene: GJA8 (gap junction protein alpha 8; plus strand). Cytogenetic location: 1q21.2.
Variant type: single nucleotide variant.
Coding change: c.481T>G on transcript NM_005267.5 (MANE Select); coding-DNA position 481, T replaced by G.
Protein change: p.Phe161Val; replaces phenylalanine 161 with valine.
Molecular consequence: missense variant.
Genome position (GRCh38, 1-based): chr1:147,908,436, T>G. VCF-style: chr1-147908436-T-G. GRCh37 (hg19) VCF-style: chr1-147380563-T-G.
Other names: short protein forms F161V.
Identifiers: ClinVar variation 568989 (VCV000568989.8), dbSNP rs1558009685, ClinGen allele CA342224627.